The following is an entry in ClinVar:

NM_144599.5(NIPA1):c.20C>T (p.Ala7Val)

Genes: NIPA1 (NIPA magnesium transporter 1; plus strand), LOC130056709 (ATAC-STARR-seq lymphoblastoid silent region 6259; plus strand). Cytogenetic location: 15q11.2.
Variant type: single nucleotide variant.
Coding change: c.20C>T on transcript NM_144599.5 (MANE Select); coding-DNA position 20, C replaced by T.
Protein change: p.Ala7Val; replaces alanine 7 with valine.
Molecular consequence: missense variant. On other transcripts: intron variant (1).
Genome position (GRCh38, 1-based): chr15:22,786,676, C>T. VCF-style: chr15-22786676-C-T. GRCh37 (hg19) VCF-style: chr15-23086392-G-A.
Other names: c.-48+428C>T (NM_001142275.1); short protein forms A7V.
Identifiers: ClinVar variation 1482547 (VCV001482547.6), dbSNP rs1416457811, ClinGen allele CA391298207.

ClinVar aggregate classification (germline): Uncertain significance (1 of 4 stars; one submission).

Conditions:
Hereditary spastic paraplegia 6 (SPG6). Also called: SPASTIC PARAPLEGIA 6, AUTOSOMAL DOMINANT. Identifiers: Orphanet 100988, MedGen C1838192, MONDO:0010878, OMIM 600363.

gnomAD v4.1: 2 of 1,076,580 alleles (0.00019%); highest among the groups gnomAD compares: Non-Finnish European, 0.00022%; no homozygotes.

Submission:

Labcorp Genetics (formerly Invitae), Labcorp
Classification: Uncertain significance for Hereditary spastic paraplegia 6. Last evaluated: 2023-08-10. Review status: criteria provided, single submitter. Criteria: Invitae Variant Classification Sherloc (09022015). Collection method: clinical testing. Allele origin: germline.
Comment: This sequence change replaces alanine, which is neutral and non-polar, with valine, which is neutral and non-polar, at codon 7 of the NIPA1 protein (p.Ala7Val). The frequency data for this variant in the population databases is considered unreliable, as metrics indicate poor data quality at this position in the gnomAD database. This variant has not been reported in the literature in individuals affected with NIPA1-related conditions. ClinVar contains an entry for this variant (Variation ID: 1482547). Experimental studies and prediction algorithms are not available or were not evaluated, and the functional significance of this variant is currently unknown. In summary, the available evidence is currently insufficient to determine the role of this variant in disease. Therefore, it has been classified as a Variant of Uncertain Significance.